The following is an entry in ClinVar:

NM_021098.3(CACNA1H):c.300-3C>T

Gene: CACNA1H (calcium voltage-gated channel subunit alpha1 H; plus strand). Cytogenetic location: 16p13.3.
Variant type: single nucleotide variant.
Coding change: c.300-3C>T on transcript NM_021098.3 (MANE Select); 3 bases into the intron before coding-DNA position 300, C replaced by T.
Molecular consequence: intron variant.
Genome position (GRCh38, 1-based): chr16:1,194,969, C>T. VCF-style: chr16-1194969-C-T. GRCh37 (hg19) VCF-style: chr16-1244969-C-T.
Other names: c.300-3C>T (NM_001005407.2).
Identifiers: ClinVar variation 643440 (VCV000643440.8), dbSNP rs1596380517, ClinGen allele CA915945805.

ClinVar aggregate classification (germline): Uncertain significance (1 of 4 stars; one submission).

Conditions:
Hyperaldosteronism, familial, type IV (HALD4). Also called: FH IV; ALDOSTERONISM, PRIMARY, AND HYPERTENSION. Identifiers: Orphanet 642671, MedGen C4310756, MONDO:0014875, OMIM 617027.
Idiopathic generalized epilepsy. Also called: Generalised epilepsy; EIG. Identifiers: MedGen C0270850, MONDO:0005579, OMIM 600669.

Allele frequency attached by ClinVar (database versions not stated): gnomAD exomes below 0.00001.
gnomAD v4.1: 2 of 1,608,656 alleles (0.00012%); highest among the groups gnomAD compares: South Asian, 0.0011%; no homozygotes.

Submission:

Labcorp Genetics (formerly Invitae), Labcorp
Classification: Uncertain significance for Idiopathic generalized epilepsy; Hyperaldosteronism, familial, type IV. Last evaluated: 2025-11-01. Review status: criteria provided, single submitter. Criteria: Invitae Variant Classification Sherloc (09022015). Collection method: clinical testing. Allele origin: germline.
Comment: This sequence change falls in intron 2 of the CACNA1H gene. It does not directly change the encoded amino acid sequence of the CACNA1H protein. It affects a nucleotide within the consensus splice site. This variant is not present in population databases (gnomAD no frequency). This variant has not been reported in the literature in individuals affected with CACNA1H-related conditions. ClinVar contains an entry for this variant (Variation ID: 643440). Variants that disrupt the consensus splice site are a relatively common cause of aberrant splicing (PMID: 17576681, 9536098). Algorithms developed to predict the effect of sequence changes on RNA splicing suggest that this variant is not likely to affect RNA splicing. In summary, the available evidence is currently insufficient to determine the role of this variant in disease. Therefore, it has been classified as a Variant of Uncertain Significance.

Literature cited by the submitters: PubMed 17576681; PubMed 9536098.